The following is an entry in ClinVar:

NM_015662.3(IFT172):c.1525-1G>A

Gene: IFT172 (intraflagellar transport 172; minus strand). Cytogenetic location: 2p23.3.
Variant type: single nucleotide variant.
Coding change: c.1525-1G>A on transcript NM_015662.3 (MANE Select); the canonical splice acceptor site of the intron before coding-DNA position 1525, G replaced by A.
Molecular consequence: splice acceptor variant. On other transcripts: intron variant (1).
Genome position (GRCh38, 1-based): chr2:27,471,096, C>T on the plus strand (G>A on the coding strand, the complement: IFT172 is on the minus strand). VCF-style: chr2-27471096-C-T. GRCh37 (hg19) VCF-style: chr2-27693963-C-T.
Other names: IVS15, G-A, -1; c.1525-67G>A (NM_001410739.1); c.1525-1G>A (NM_015662.2).
Identifiers: ClinVar variation 191367 (VCV000191367.12), dbSNP rs370540673, ClinGen allele CA199772.
Genomic context (GRCh38, chr2:27,471,096, plus strand): 5'-ATAGGAGCAGAAGTTGAGGATCATTGTCTTAGAGCAGCTTTCAATATCATACAGATGCAA[C>T]TGAAGAAAGAAAAGGCAGGTAACACAATTACAAGGGGATGTGGGGTTGTCTCCTGCTTTT-3'

ClinVar aggregate classification (germline): Pathogenic/Likely pathogenic. Review status: criteria provided, multiple submitters, no conflicts (2 of 4 stars). 6 submissions from 6 submitters: Pathogenic (3); Likely pathogenic (2). 1 of the submissions does not count toward it. Last evaluated 2026-09-25.

Conditions:
Bardet-Biedl syndrome 20. Identifiers: MedGen C4310707, MONDO:0023670, OMIM 619471, MONDO:0014926.
Retinitis pigmentosa 71 (RP71). Identifiers: Orphanet 791, MedGen C4225342, MONDO:0014618, OMIM 616394.
Short-rib thoracic dysplasia 10 with or without polydactyly (SRTD10). Identifiers: Orphanet 474, MedGen C3810175, MONDO:0014284, OMIM 615630.
IFT172-related disorder. Also called: IFT172-related condition; IFT172-related disorders.

Allele frequency attached by ClinVar (database versions not stated): gnomAD 0.00001; ESP Exome Variant Server 0.00008.
gnomAD v4.1: 34 of 1,604,046 alleles (0.0021%); highest among the groups gnomAD compares: Non-Finnish European, 0.0028%; no homozygotes.

Submissions (6):

PreventionGenetics, part of Exact Sciences
Classification: Pathogenic for IFT172-related condition. Last evaluated: 2026-09-25. Review status: criteria provided, single submitter. Criteria: ACMG Guidelines, 2015. Collection method: clinical testing. Allele origin: germline.
Comment: The IFT172 c.1525-1G>A variant is predicted to disrupt the AG splice acceptor site and interfere with normal splicing. This variant has been reported in the compound heterozygous state in two siblings with retinitis pigmentosa (Family 1, Bujakowska et al. 2015. PubMed ID: 25168386). This variant is reported in 0.0018% of alleles in individuals of European (non-Finnish) descent in gnomAD. Variants that disrupt the consensus splice acceptor site in IFT172 are expected to be pathogenic. This variant is interpreted as pathogenic.

Labcorp Genetics (formerly Invitae), Labcorp
Classification: Pathogenic for Retinitis pigmentosa 71; Short-rib thoracic dysplasia 10 with or without polydactyly. Last evaluated: 2026-01-08. Review status: criteria provided, single submitter. Criteria: Invitae Variant Classification Sherloc (09022015). Collection method: clinical testing. Allele origin: germline.
Comment: This sequence change affects an acceptor splice site in intron 15 of the IFT172 gene. It is expected to disrupt RNA splicing. Variants that disrupt the donor or acceptor splice site typically lead to a loss of protein function (PMID: 16199547), and loss-of-function variants in IFT172 are known to be pathogenic (PMID: 24140113). This variant is present in population databases (rs370540673, gnomAD 0.002%). Disruption of this splice site has been observed in individual(s) with IFT172-related conditions (PMID: 25168386). In at least one individual the data is consistent with being in trans (on the opposite chromosome) from a pathogenic variant. It has also been observed to segregate with disease in related individuals. ClinVar contains an entry for this variant (Variation ID: 191367). Algorithms developed to predict the effect of sequence changes on RNA splicing suggest that this variant may disrupt the consensus splice site. For these reasons, this variant has been classified as Pathogenic.

GeneDx
Classification: Likely pathogenic. Last evaluated: 2025-01-03. Review status: criteria provided, single submitter. Criteria: GeneDx Variant Classification Process June 2021. Collection method: clinical testing. Allele origin: germline. Affected: yes.
Comment: Canonical splice site variant predicted to result in an in-frame loss of the adjacent exon in a gene for which loss of function is a known mechanism of disease; Not observed at significant frequency in large population cohorts (gnomAD); This variant is associated with the following publications: (PMID: 31964843, 25168386)

Fulgent Genetics
Classification: Likely pathogenic for Short-rib thoracic dysplasia 10 with or without polydactyly; Retinitis pigmentosa 71; Bardet-Biedl syndrome 20. Last evaluated: 2022-05-05. Review status: criteria provided, single submitter. Criteria: ACMG Guidelines, 2015. Collection method: clinical testing. Allele origin: unknown.

Blueprint Genetics
Classification: Pathogenic for IFT172-related disorders. Last evaluated: 2020-11-03. Review status: criteria provided, single submitter. Criteria: ACMG Guidelines, 2015. Collection method: clinical testing. Allele origin: germline. Affected: yes. Observed: 2 variant alleles.

OMIM
Classification: Pathogenic for BARDET-BIEDL SYNDROME 20. Last evaluated: 2015-01-01. Review status: no assertion criteria provided. Collection method: literature only. Allele origin: germline. Not counted in ClinVar's aggregate classification.

Literature cited by the submitters: PubMed 16199547 (cited by Labcorp Genetics (formerly Invitae), Labcorp); PubMed 24140113 (cited by Labcorp Genetics (formerly Invitae), Labcorp); PubMed 25168386 (cited by Labcorp Genetics (formerly Invitae), Labcorp and OMIM).